The following is an entry in ClinVar:

ClinVar aggregate classification (germline): Uncertain significance (1 of 4 stars; one submission).

Submission:

GeneDx
Classification: Uncertain significance. Last evaluated: 2024-09-28. Review status: criteria provided, single submitter. Criteria: GeneDx Variant Classification Process June 2021. Collection method: clinical testing. Allele origin: germline. Affected: yes.
Comment: Not observed at significant frequency in large population cohorts (gnomAD); In silico analysis supports that this missense variant has a deleterious effect on protein structure/function; Has not been previously published as pathogenic or benign to our knowledge

NM_017852.5(NLRP2):c.913T>C (p.Cys305Arg)

Gene: NLRP2 (NLR family pyrin domain containing 2; plus strand). Cytogenetic location: 19q13.42.
Variant type: single nucleotide variant.
Coding change: c.913T>C on transcript NM_017852.5 (MANE Select); coding-DNA position 913, T replaced by C.
Protein change: p.Cys305Arg; replaces cysteine 305 with arginine.
Molecular consequence: missense variant. On other transcripts: non-coding transcript variant (1).
Genome position (GRCh38, 1-based): chr19:54,982,611, T>C. VCF-style: chr19-54982611-T-C. GRCh37 (hg19) VCF-style: chr19-55493979-T-C.
Other names: c.913T>C, p.Cys305Arg (NM_001174081.3); c.847T>C, p.Cys283Arg (NM_001174082.3); c.844T>C, p.Cys282Arg (NM_001174083.2); c.904T>C, p.Cys302Arg (NM_001348003.2); short protein forms C282R, C283R, C302R, C305R.
Identifiers: ClinVar variation 3774826 (VCV003774826.1).